The following is an entry in ClinVar:

NM_000380.4(XPA):c.597_598delinsTC (p.Ala199_Leu200=)

Gene: XPA (XPA, DNA damage recognition and repair factor; minus strand). Cytogenetic location: 9q22.33.
Variant type: Indel.
Coding change: c.597_598delinsTC on transcript NM_000380.4 (MANE Select); coding-DNA positions 597 to 598, AT replaced by TC.
Protein change: p.Ala199_Leu200=.
Molecular consequence: synonymous variant. On other transcripts: non-coding transcript variant (5).
Genome position (GRCh38, 1-based): chr9:97,684,998-97,684,999, AT replaced by GA on the plus strand (AT replaced by TC on the coding strand, the reverse complement: XPA is on the minus strand). VCF-style: chr9-97684998-AT-GA. GRCh37 (hg19) VCF-style: chr9-100447280-AT-GA.
Other names: c.471_472delinsTC, p.Ala157_Leu158= (NM_001354975.2).
Identifiers: ClinVar variation 3675008 (VCV003675008.2).
Genomic context (GRCh38, chr9:97,684,998, plus strand): 5'-CAAATTTCTTCTGTTTCATTTTTTCTCGGTTTTCCTGTCGGACTTCCTTTGCTTCTTCTA[AT>GA]GCTTCTTGACTACCCCAAACTTCAAGAGACCTCTTCACAATCTACAACACAAAATCCATA-3'

ClinVar aggregate classification (germline): Uncertain significance (1 of 4 stars; one submission).

Submission:

Labcorp Genetics (formerly Invitae), Labcorp
Classification: Uncertain significance. Last evaluated: 2024-09-03. Review status: criteria provided, single submitter. Criteria: Invitae Variant Classification Sherloc (09022015). Collection method: clinical testing. Allele origin: germline.
Comment: This sequence change affects codon 199 of the XPA mRNA. It is a 'silent' change, meaning that it does not change the encoded amino acid sequence of the XPA protein. Information on the frequency of this variant in the gnomAD database is not available, as this variant may be reported differently in the database. This variant has not been reported in the literature in individuals affected with XPA-related conditions. Experimental studies and prediction algorithms are not available or were not evaluated, and the functional significance of this variant is currently unknown. In summary, the available evidence is currently insufficient to determine the role of this variant in disease. Therefore, it has been classified as a Variant of Uncertain Significance.